The following is an entry in ClinVar:

NM_000127.3(EXT1):c.2148G>A (p.Pro716=)

Gene: EXT1 (exostosin glycosyltransferase 1; minus strand). Cytogenetic location: 8q24.11.
Variant type: single nucleotide variant.
Coding change: c.2148G>A on transcript NM_000127.3 (MANE Select); coding-DNA position 2148, G replaced by A.
Protein change: p.Pro716=; no amino-acid change (proline 716 retained).
Molecular consequence: synonymous variant.
Genome position (GRCh38, 1-based): chr8:117,799,805, C>T on the plus strand (G>A on the coding strand, the complement: EXT1 is on the minus strand). VCF-style: chr8-117799805-C-T. GRCh37 (hg19) VCF-style: chr8-118812044-C-T.
Identifiers: ClinVar variation 497792 (VCV000497792.14), dbSNP rs757499157, ClinGen allele CA4853940.

ClinVar aggregate classification (germline): Conflicting classifications of pathogenicity. Review status: criteria provided, conflicting classifications (1 of 4 stars). 3 submissions from 3 submitters: Uncertain significance (1); Likely benign (1). 1 of the submissions does not count toward it. Last evaluated 2025-11-02.

Conditions:
EXT1-related disorder. Also called: EXT1-related condition.
Multiple congenital exostosis (EXT). Also called: Hereditary multiple osteochondromas; Hereditary multiple exostoses; Hereditary multiple exostosis; MULTIPLE CARTILAGINOUS EXOSTOSES; Multiple exostoses; Multiple osteochondromas. Identifiers: Orphanet 321, MedGen C0015306, MONDO:0005508, HP:0002762.

Allele frequency attached by ClinVar (database versions not stated): TOPMed 0.00001; gnomAD 0.00002; ExAC 0.00003; gnomAD exomes 0.00007.
gnomAD v4.1: 61 of 1,614,034 alleles (0.0038%); highest among the groups gnomAD compares: Middle Eastern, 0.066%; no homozygotes.

Submissions (3):

Labcorp Genetics (formerly Invitae), Labcorp
Classification: Likely benign for Multiple congenital exostosis. Last evaluated: 2025-11-02. Review status: criteria provided, single submitter. Criteria: Invitae Variant Classification Sherloc (09022015). Collection method: clinical testing. Allele origin: germline.

Eurofins Ntd Llc (ga)
Classification: Uncertain significance. Last evaluated: 2016-10-13. Review status: criteria provided, single submitter. Criteria: EGL Classification Definitions 2015. Collection method: clinical testing. Allele origin: germline. Observed: 1 variant allele, 1 heterozygote.

PreventionGenetics, part of Exact Sciences
Classification: Likely benign for EXT1-related condition. Last evaluated: 2019-04-04. Review status: no assertion criteria provided. Collection method: clinical testing. Allele origin: germline. Not counted in ClinVar's aggregate classification.
Comment: This variant is classified as likely benign based on ACMG/AMP sequence variant interpretation guidelines (Richards et al. 2015 PMID: 25741868, with internal and published modifications).